The following is an entry in ClinVar:

ClinVar aggregate classification (germline): Uncertain significance (1 of 4 stars; one submission).

Conditions:
Perlman syndrome (PRLMNS). Identifiers: Orphanet 2849, MedGen C0796113, MONDO:0009965, OMIM 267000.

Submission:

Labcorp Genetics (formerly Invitae), Labcorp
Classification: Uncertain significance for Perlman syndrome. Last evaluated: 2023-05-01. Review status: criteria provided, single submitter. Criteria: Invitae Variant Classification Sherloc (09022015). Collection method: clinical testing. Allele origin: germline.
Comment: This sequence change replaces glycine, which is neutral and non-polar, with aspartic acid, which is acidic and polar, at codon 790 of the DIS3L2 protein (p.Gly790Asp). This variant is not present in population databases (gnomAD no frequency). In summary, the available evidence is currently insufficient to determine the role of this variant in disease. Therefore, it has been classified as a Variant of Uncertain Significance. Advanced modeling of protein sequence and biophysical properties (such as structural, functional, and spatial information, amino acid conservation, physicochemical variation, residue mobility, and thermodynamic stability) performed at Invitae indicates that this missense variant is not expected to disrupt DIS3L2 protein function. This variant has not been reported in the literature in individuals affected with DIS3L2-related conditions.

NM_152383.5(DIS3L2):c.2369G>A (p.Gly790Asp)

Gene: DIS3L2 (DIS3 like 3'-5' exoribonuclease 2; plus strand). Cytogenetic location: 2q37.1.
Variant type: single nucleotide variant.
Coding change: c.2369G>A on transcript NM_152383.5 (MANE Select); coding-DNA position 2369, G replaced by A.
Protein change: p.Gly790Asp; replaces glycine 790 with aspartic acid.
Molecular consequence: missense variant. On other transcripts: non-coding transcript variant (2), intron variant (1).
Genome position (GRCh38, 1-based): chr2:232,334,710, G>A. VCF-style: chr2-232334710-G-A. GRCh37 (hg19) VCF-style: chr2-233199420-G-A.
Other names: c.1582-8635G>A (NM_001257281.2); short protein forms G790D.
Identifiers: ClinVar variation 2861031 (VCV002861031.3), dbSNP rs2469449507, ClinGen allele CA350978066.